The following is an entry in ClinVar:

NM_005732.4(RAD50):c.3796G>A (p.Val1266Ile)

Genes: RAD50 (RAD50 double strand break repair protein; plus strand), TH2LCRR (T helper type 2 locus control region associated RNA; minus strand). Cytogenetic location: 5q31.1.
Variant type: single nucleotide variant.
Coding change: c.3796G>A on transcript NM_005732.4 (MANE Select); coding-DNA position 3796, G replaced by A.
Protein change: p.Val1266Ile; replaces valine 1266 with isoleucine.
Molecular consequence: missense variant. On other transcripts: non-coding transcript variant (1).
Genome position (GRCh38, 1-based): chr5:132,642,221, G>A. VCF-style: chr5-132642221-G-A. GRCh37 (hg19) VCF-style: chr5-131977913-G-A.
Other names: short protein forms V1266I.
Identifiers: ClinVar variation 824223 (VCV000824223.12), dbSNP rs750133404, ClinGen allele CA3405679.

ClinVar aggregate classification (germline): Uncertain significance. Review status: criteria provided, multiple submitters, no conflicts (2 of 4 stars). 2 submissions from 2 submitters: Uncertain significance (2). Last evaluated 2024-10-22.

Conditions:
Hereditary cancer-predisposing syndrome. Also called: Neoplastic Syndromes, Hereditary; Tumor predisposition; Hereditary neoplastic syndrome; Hereditary Cancer Syndrome. Identifiers: Orphanet 140162, MedGen C0027672, MeSH D009386, MONDO:0015356.

Allele frequency attached by ClinVar (database versions not stated): gnomAD exomes below 0.00001 and 0.00001; TOPMed below 0.00001; ExAC 0.00001.
gnomAD v4.1: 12 of 1,614,176 alleles (0.00074%); highest among the groups gnomAD compares: South Asian, 0.0055%; no homozygotes.

Submissions (2):

Labcorp Genetics (formerly Invitae), Labcorp
Classification: Uncertain significance for Hereditary cancer-predisposing syndrome. Last evaluated: 2024-10-22. Review status: criteria provided, single submitter. Criteria: Invitae Variant Classification Sherloc (09022015). Collection method: clinical testing. Allele origin: germline.
Comment: This sequence change replaces valine, which is neutral and non-polar, with isoleucine, which is neutral and non-polar, at codon 1266 of the RAD50 protein (p.Val1266Ile). This variant is present in population databases (rs750133404, gnomAD 0.003%). This variant has not been reported in the literature in individuals affected with RAD50-related conditions. ClinVar contains an entry for this variant (Variation ID: 824223). Invitae Evidence Modeling of protein sequence and biophysical properties (such as structural, functional, and spatial information, amino acid conservation, physicochemical variation, residue mobility, and thermodynamic stability) indicates that this missense variant is not expected to disrupt RAD50 protein function with a negative predictive value of 80%. In summary, the available evidence is currently insufficient to determine the role of this variant in disease. Therefore, it has been classified as a Variant of Uncertain Significance.

Ambry Genetics
Classification: Uncertain significance for Hereditary cancer-predisposing syndrome. Last evaluated: 2024-03-27. Review status: criteria provided, single submitter. Criteria: Ambry Variant Classification Scheme 2023. Collection method: clinical testing. Allele origin: germline.
Comment: The p.V1266I variant (also known as c.3796G>A), located in coding exon 25 of the RAD50 gene, results from a G to A substitution at nucleotide position 3796. The valine at codon 1266 is replaced by isoleucine, an amino acid with highly similar properties. This amino acid position is poorly conserved in available vertebrate species. In addition, this alteration is predicted to be tolerated by in silico analysis. Since supporting evidence is limited at this time, the clinical significance of this alteration remains unclear.